The following is an entry in ClinVar:

NM_001244008.2(KIF1A):c.3901G>C (p.Gly1301Arg)

Genes: KIF1A (kinesin family member 1A; minus strand), LOC126806583 (P300/CBP strongly-dependent group 1 enhancer GRCh37_chr2:241678910-241680109; plus strand). Cytogenetic location: 2q37.3.
Variant type: single nucleotide variant.
Coding change: c.3901G>C on transcript NM_001244008.2 (MANE Select); coding-DNA position 3901, G replaced by C.
Protein change: p.Gly1301Arg; replaces glycine 1301 with arginine.
Molecular consequence: missense variant.
Genome position (GRCh38, 1-based): chr2:240,740,058, C>G on the plus strand (G>C on the coding strand, the complement: KIF1A is on the minus strand). VCF-style: chr2-240740058-C-G. GRCh37 (hg19) VCF-style: chr2-241679475-C-G.
Other names: c.3625G>C, p.Gly1209Arg (NM_001320705.2, NM_001330289.2, NM_001379638.1); c.3700G>C, p.Gly1234Arg (NM_001330290.2, NM_001379634.1, NM_001379635.1 and 1 more transcripts); c.3976G>C, p.Gly1326Arg (NM_001379631.1); c.3850G>C, p.Gly1284Arg (NM_001379632.1); c.3874G>C, p.Gly1292Arg (NM_001379633.1, NM_001379642.1, NM_001379645.1); c.3598G>C, p.Ala1200Pro (NM_001379636.1); c.3673G>C, p.Gly1225Arg (NM_001379637.1, NM_001379648.1); c.3598G>C, p.Gly1200Arg (NM_001379639.1, NM_001379641.1, NM_001379649.1 and 4 more transcripts); and 1 more; short protein forms A1200P, G1199R, G1200R, G1209R, G1225R, G1234R, G1284R, G1292R.
Identifiers: ClinVar variation 3366235 (VCV003366235.1).
Genomic context (GRCh38, chr2:240,740,058, plus strand): 5'-CCTGTACTCTTCCCACCAGCTCAGCCCCACCCACCAAGGCAGCCCCCACACCGCACTCAC[C>G]CACGACCAGCTCGCGCACTTCCTTCCAGCGGATATGGCTGCCTGTCTCATGCAGTAGTGT-3'
Protein context (NP_001230937.1, residues 1291-1311): RWKEVRELVV[Gly1301Arg]RIRNTPETDE

ClinVar aggregate classification (germline): Uncertain significance (1 of 4 stars; one submission).

Submission:

GeneDx
Classification: Uncertain significance. Last evaluated: 2023-10-25. Review status: criteria provided, single submitter. Criteria: GeneDx Variant Classification Process June 2021. Collection method: clinical testing. Allele origin: germline. Affected: yes.
Comment: Not observed at significant frequency in large population cohorts (gnomAD); In silico analysis supports that this missense variant has a deleterious effect on protein structure/function; Has not been previously published as pathogenic or benign to our knowledge; In silico analysis suggests this variant may impact gene splicing. In the absence of RNA/functional studies, the actual effect of this sequence change is unknown.